The following is an entry in ClinVar:

NM_000362.5(TIMP3):c.345G>A (p.Thr115=)

Genes: SYN3 (synapsin III; minus strand), TIMP3 (TIMP metallopeptidase inhibitor 3; plus strand). Cytogenetic location: 22q12.3.
Variant type: single nucleotide variant.
Coding change: c.345G>A on transcript NM_000362.5 (MANE Select); coding-DNA position 345, G replaced by A.
Protein change: p.Thr115=; no amino-acid change (threonine 115 retained).
Molecular consequence: synonymous variant. On other transcripts: intron variant (7).
Genome position (GRCh38, 1-based): chr22:32,858,045, G>A. VCF-style: chr22-32858045-G-A. GRCh37 (hg19) VCF-style: chr22-33254032-G-A.
Other names: c.345G>A (NM_000362.4); c.708+6870C>T (NM_001369909.1, NM_001135774.2, NM_001369910.1); c.711+6870C>T (NM_001369907.1, NM_003490.4, NM_001369908.1 and 1 more transcripts).
Identifiers: ClinVar variation 1144764 (VCV001144764.11), dbSNP rs746811195, ClinGen allele CA10202238.

ClinVar aggregate classification (germline): Likely benign. Review status: criteria provided, multiple submitters, no conflicts (2 of 4 stars). 3 submissions from 3 submitters: Likely benign (3). Last evaluated 2025-10-19.

Conditions:
TIMP3-related disorder. Also called: TIMP3-related condition.

Allele frequency attached by ClinVar (database versions not stated): gnomAD 0.00001; gnomAD exomes 0.00001; ExAC 0.00002; TOPMed 0.00003.
gnomAD v4.1: 13 of 1,614,014 alleles (0.00081%); highest among the groups gnomAD compares: South Asian, 0.0077%; no homozygotes.

Submissions (3):

PreventionGenetics, part of Exact Sciences
Classification: Likely benign for TIMP3-related condition. Last evaluated: 2025-10-19. Review status: criteria provided, single submitter. Criteria: ACMG Guidelines, 2015. Collection method: clinical testing. Allele origin: germline.
Comment: This variant is classified as likely benign based on ACMG/AMP sequence variant interpretation guidelines (Richards et al. 2015 PMID: 25741868, with internal and published modifications).

Labcorp Genetics (formerly Invitae), Labcorp
Classification: Likely benign. Last evaluated: 2024-10-24. Review status: criteria provided, single submitter. Criteria: Invitae Variant Classification Sherloc (09022015). Collection method: clinical testing. Allele origin: germline.

Blueprint Genetics
Classification: Likely benign. Last evaluated: 2021-12-27. Review status: criteria provided, single submitter. Criteria: ACMG Guidelines, 2015. Collection method: clinical testing. Allele origin: germline.